The following is an entry in ClinVar:

ClinVar aggregate classification (germline): Likely benign (0 of 4 stars; one submission).

Conditions:
SPECC1L-related disorder. Also called: SPECC1L-related condition.

Allele frequency attached by ClinVar (database versions not stated): gnomAD 0.00001; gnomAD exomes 0.00002; ExAC 0.00004; TOPMed 0.00004.
gnomAD v4.1: 15 of 1,614,098 alleles (0.00093%); highest among the groups gnomAD compares: Admixed American, 0.025%; no homozygotes.

Submission:

PreventionGenetics, part of Exact Sciences
Classification: Likely benign for SPECC1L-related condition. Last evaluated: 2022-09-03. Review status: no assertion criteria provided. Collection method: clinical testing. Allele origin: germline.
Comment: This variant is classified as likely benign based on ACMG/AMP sequence variant interpretation guidelines (Richards et al. 2015 PMID: 25741868, with internal and published modifications).

NM_015330.6(SPECC1L):c.1395C>T (p.Tyr465=)

Genes: SPECC1L (sperm antigen with calponin homology and coiled-coil domains 1 like; plus strand), SPECC1L-ADORA2A (SPECC1L-ADORA2A readthrough (NMD candidate); plus strand). Cytogenetic location: 22q11.23.
Variant type: single nucleotide variant.
Coding change: c.1395C>T on transcript NM_015330.6 (MANE Select); coding-DNA position 1395, C replaced by T.
Protein change: p.Tyr465=; no amino-acid change (tyrosine 465 retained).
Molecular consequence: synonymous variant. On other transcripts: non-coding transcript variant (1).
Genome position (GRCh38, 1-based): chr22:24,322,375, C>T. VCF-style: chr22-24322375-C-T. GRCh37 (hg19) VCF-style: chr22-24718343-C-T.
Other names: c.1395C>T, p.Tyr465= (NM_001145468.4, NM_001254732.3).
Identifiers: ClinVar variation 3045112 (VCV003045112.2), dbSNP rs776109901, ClinGen allele CA10152110.